The following is an entry in ClinVar:

ClinVar aggregate classification (germline): Uncertain significance (0 of 4 stars; one submission).

Conditions:
ICE1-related disorder. Also called: ICE1-related condition.

Submission:

PreventionGenetics, part of Exact Sciences
Classification: Uncertain significance for ICE1-related condition. Last evaluated: 2023-12-11. Review status: no assertion criteria provided. Collection method: clinical testing. Allele origin: germline.
Comment: The ICE1 c.4222G>C variant is predicted to result in the amino acid substitution p.Val1408Leu. To our knowledge, this variant has not been reported in the literature. This variant is reported in 0.00089% of alleles in individuals of European (Non-Finnish) descent in gnomAD. At this time, the clinical significance of this variant is uncertain due to the absence of conclusive functional and genetic evidence.

NM_015325.3(ICE1):c.4222G>C (p.Val1408Leu)

Gene: ICE1 (interactor of little elongation complex ELL subunit 1; plus strand). Cytogenetic location: 5p15.32.
Variant type: single nucleotide variant.
Coding change: c.4222G>C on transcript NM_015325.3 (MANE Select); coding-DNA position 4222, G replaced by C.
Protein change: p.Val1408Leu; replaces valine 1408 with leucine.
Molecular consequence: missense variant.
Genome position (GRCh38, 1-based): chr5:5,463,556, G>C. VCF-style: chr5-5463556-G-C. GRCh37 (hg19) VCF-style: chr5-5463669-G-C.
Other names: short protein forms V1408L.
Identifiers: ClinVar variation 3043212 (VCV003043212.2), dbSNP rs140879897, ClinGen allele CA359137182.